The following is an entry in ClinVar:

ClinVar aggregate classification (germline): Conflicting classifications of pathogenicity. Review status: criteria provided, conflicting classifications (1 of 4 stars). 8 submissions from 8 submitters: Uncertain significance (7); Likely benign (1). Last evaluated 2025-09-18.

Conditions:
Ullrich congenital muscular dystrophy 1A. Also called: Ullrich congenital muscular dystrophy 1; Intermediate COL6-RD. Identifiers: Orphanet 75840, MedGen C0410179, MONDO:0009681, OMIM 254090.
Bethlem myopathy 1A. Also called: Bethlem myopathy 1; MYOPATHY, BENIGN CONGENITAL, WITH CONTRACTURES; Bethlem Muscular Dystrophy. Identifiers: Orphanet 610, MedGen CN029274, MONDO:0024530, OMIM 158810.
Inborn genetic diseases. Identifiers: MedGen C0950123, MeSH D030342.

Allele frequency attached by ClinVar (database versions not stated): ExAC 0.00002; gnomAD exomes 0.00002 and 0.00012; TOPMed 0.00006; gnomAD 0.00007; ESP Exome Variant Server 0.00008.

Submissions (8):

Labcorp Genetics (formerly Invitae), Labcorp
Classification: Likely benign for Bethlem myopathy 1A. Last evaluated: 2025-09-18. Review status: criteria provided, single submitter. Criteria: Invitae Variant Classification Sherloc (09022015). Collection method: clinical testing. Allele origin: germline.

Ambry Genetics
Classification: Uncertain significance for Inborn genetic diseases. Last evaluated: 2025-08-30. Review status: criteria provided, single submitter. Criteria: Ambry Variant Classification Scheme 2023. Collection method: clinical testing. Allele origin: germline.

Blueprint Genetics
Classification: Uncertain significance. Last evaluated: 2024-11-21. Review status: criteria provided, single submitter. Criteria: ACMG Guidelines, 2015. Collection method: clinical testing. Allele origin: germline.

Mayo Clinic Laboratories, Mayo Clinic
Classification: Uncertain significance. Last evaluated: 2024-06-05. Review status: criteria provided, single submitter. Criteria: ACMG Guidelines, 2015. Collection method: clinical testing. Allele origin: germline. Observed: 1 variant allele.
Comment: PM2

Revvity Omics, Revvity
Classification: Uncertain significance. Last evaluated: 2021-04-01. Review status: criteria provided, single submitter. Criteria: ACMG Guidelines, 2015. Collection method: clinical testing. Allele origin: germline.

Fulgent Genetics
Classification: Uncertain significance for Bethlem myopathy 1A; Ullrich congenital muscular dystrophy 1A. Last evaluated: 2018-10-31. Review status: criteria provided, single submitter. Criteria: ACMG Guidelines, 2015. Collection method: clinical testing. Allele origin: unknown.

CENTOGENE GmbH and LLC - Guiding Precision Medicine
Classification: Uncertain significance for Bethlem myopathy 1A. Last evaluated: 2018-01-05. Review status: criteria provided, single submitter. Criteria: ACMG Guidelines, 2015. Collection method: clinical testing. Allele origin: germline. Affected: yes.

Eurofins Ntd Llc (ga)
Classification: Uncertain significance. Last evaluated: 2016-08-03. Review status: criteria provided, single submitter. Criteria: EGL Classification Definitions 2015. Collection method: clinical testing. Allele origin: germline. Observed: 4 variant alleles, 4 heterozygotes.

NM_001848.3(COL6A1):c.1684A>G (p.Ile562Val)

Gene: COL6A1 (collagen type VI alpha 1 chain; plus strand). Cytogenetic location: 21q22.3.
Variant type: single nucleotide variant.
Coding change: c.1684A>G on transcript NM_001848.3 (MANE Select); coding-DNA position 1684, A replaced by G.
Protein change: p.Ile562Val; replaces isoleucine 562 with valine.
Molecular consequence: missense variant.
Genome position (GRCh38, 1-based): chr21:45,999,162, A>G. VCF-style: chr21-45999162-A-G. GRCh37 (hg19) VCF-style: chr21-47419076-A-G.
Other names: p.Ile562Val; short protein forms I562V.
Identifiers: ClinVar variation 195952 (VCV000195952.21), dbSNP rs374315921, ClinGen allele CA242672.